The following is an entry in ClinVar:

ClinVar aggregate classification (germline): Uncertain significance. Review status: criteria provided, multiple submitters, no conflicts (2 of 4 stars). 2 submissions from 2 submitters: Uncertain significance (2). Last evaluated 2021-05-24.

Conditions:
Ehlers-Danlos syndrome, classic type, 1 (EDSCL1). Also called: Ehlers-Danlos syndrome, type 1; EHLERS-DANLOS SYNDROME, GRAVIS TYPE; EHLERS-DANLOS SYNDROME, SEVERE CLASSIC TYPE; EDS I; Ehlers-Danlos Syndrome, Classic Type, COL5A1-Related. Identifiers: MedGen C0268335, MONDO:0019567, OMIM 130000.

Allele frequency attached by ClinVar (database versions not stated): gnomAD exomes below 0.00001; ExAC 0.00001.
gnomAD v4.1: 5 of 1,613,380 alleles (0.00031%); highest among the groups gnomAD compares: Non-Finnish European, 0.00042%; no homozygotes.

Submissions (2):

Women's Health and Genetics/Laboratory Corporation of America, LabCorp
Classification: Uncertain significance. Last evaluated: 2021-05-24. Review status: criteria provided, single submitter. Criteria: LabCorp Variant Classification Summary - May 2015. Collection method: clinical testing. Allele origin: germline.
Comment: Variant summary: COL5A1 c.2998G>A (p.Gly1000Ser) results in a non-conservative amino acid change in the encoded protein sequence. Five of five in-silico tools predict a damaging effect of the variant on protein function. The variant allele was found at a frequency of 4e-06 in 250942 control chromosomes. The available data on variant occurrences in the general population are insufficient to allow any conclusion about variant significance. To our knowledge, no other occurrence of c.2998G>A in individuals affected with Ehlers-Danlos Syndrome and no experimental evidence demonstrating its impact on protein function have been reported. One ClinVar submitter (evaluation after 2014) cites the variant as uncertain significance. Based on the evidence outlined above, the variant was classified as uncertain significance.

Labcorp Genetics (formerly Invitae), Labcorp
Classification: Uncertain significance for Ehlers-Danlos syndrome, classic type, 1. Last evaluated: 2019-09-12. Review status: criteria provided, single submitter. Criteria: Invitae Variant Classification Sherloc (09022015). Collection method: clinical testing. Allele origin: germline.
Comment: This variant is present in population databases (rs765082093, ExAC 0.002%). This sequence change replaces glycine with serine at codon 1000 of the COL5A1 protein (p.Gly1000Ser). The glycine residue is highly conserved and there is a small physicochemical difference between glycine and serine. Algorithms developed to predict the effect of missense changes on protein structure and function are either unavailable or do not agree on the potential impact of this missense change (SIFT: "Tolerated"; PolyPhen-2: "Not Available"; Align-GVGD: "Class C0"). Algorithms developed to predict the effect of sequence changes on RNA splicing suggest that this variant may create or strengthen a splice site, but this prediction has not been confirmed by published transcriptional studies. In summary, the available evidence is currently insufficient to determine the role of this variant in disease. Therefore, it has been classified as a Variant of Uncertain Significance. Glycine residues within the Gly-Xaa-Yaa repeats of the triple helix domain are required for the structure and stability of fibrillar collagens (PMID: 7695699, 8218237, 19344236), and missense variants at these glycine residues in COL5A1 are more frequently observed in individuals with disease than in the general population (PMID: 22696272, 23587214). However, the clinical significance of this observation remains uncertain since only a limited number of affected individuals have been described to date.

Literature cited by the submitters: PubMed 7695699 (cited by Labcorp Genetics (formerly Invitae), Labcorp); PubMed 8218237 (cited by Labcorp Genetics (formerly Invitae), Labcorp); PubMed 19344236 (cited by Labcorp Genetics (formerly Invitae), Labcorp); PubMed 22696272 (cited by Labcorp Genetics (formerly Invitae), Labcorp); PubMed 23587214 (cited by Labcorp Genetics (formerly Invitae), Labcorp).

NM_000093.5(COL5A1):c.2998G>A (p.Gly1000Ser)

Gene: COL5A1 (collagen type V alpha 1 chain; plus strand). Cytogenetic location: 9q34.3.
Variant type: single nucleotide variant.
Coding change: c.2998G>A on transcript NM_000093.5 (MANE Select); coding-DNA position 2998, G replaced by A.
Protein change: p.Gly1000Ser; replaces glycine 1000 with serine.
Molecular consequence: missense variant.
Genome position (GRCh38, 1-based): chr9:134,801,999, G>A. VCF-style: chr9-134801999-G-A. GRCh37 (hg19) VCF-style: chr9-137693845-G-A.
Other names: c.2998G>A, p.Gly1000Ser (NM_001278074.1); short protein forms G1000S.
Identifiers: ClinVar variation 928651 (VCV000928651.13), dbSNP rs765082093, ClinGen allele CA5319714.